The following is an entry in ClinVar:

ClinVar aggregate classification (germline): Uncertain significance (1 of 4 stars; one submission).

gnomAD v4.1: 1 of 1,614,024 alleles (0.000062%); highest among the groups gnomAD compares: Non-Finnish European, 0.000085%; no homozygotes.

Submission:

GeneDx
Classification: Uncertain significance. Last evaluated: 2025-06-13. Review status: criteria provided, single submitter. Criteria: GeneDx Variant Classification Process June 2021. Collection method: clinical testing. Allele origin: germline. Affected: yes.
Comment: Not observed at significant frequency in large population cohorts (gnomAD); In silico analysis suggests that this missense variant does not alter protein structure/function; Has not been previously published as pathogenic or benign to our knowledge

NM_001761.3(CCNF):c.2274C>A (p.Ser758Arg)

Genes: CCNF (cyclin F; plus strand), LOC105371050 (uncharacterized LOC105371050; minus strand). Cytogenetic location: 16p13.3.
Variant type: single nucleotide variant.
Coding change: c.2274C>A on transcript NM_001761.3 (MANE Select); coding-DNA position 2274, C replaced by A.
Protein change: p.Ser758Arg; replaces serine 758 with arginine.
Molecular consequence: missense variant. On other transcripts: non-coding transcript variant (1).
Genome position (GRCh38, 1-based): chr16:2,456,933, C>A. VCF-style: chr16-2456933-C-A. GRCh37 (hg19) VCF-style: chr16-2506934-C-A.
Other names: c.1350C>A, p.Ser450Arg (NM_001323538.2); short protein forms S450R, S758R.
Identifiers: ClinVar variation 4537799 (VCV004537799.1).